The following is an entry in ClinVar:

NM_032790.4(ORAI1):c.132delAinsGCCGCAGCGGGGACGGGGAGCCCCCGGGGGCCCCGCCGCCGCAGCGGGGACGGGGAGCCCCCGGGGGCC (p.Pro46Glnfs)

Genes: ORAI1 (ORAI calcium release-activated calcium modulator 1; plus strand), LOC130008987 (ATAC-STARR-seq lymphoblastoid silent region 4981; plus strand). Cytogenetic location: 12q24.31.
Variant type: Indel.
Coding change: c.132delAinsGCCGCAGCGGGGACGGGGAGCCCCCGGGGGCCCCGCCGCCGCAGCGGGGACGGGGAGCCCCCGGGGGCC on transcript NM_032790.4 (MANE Select); coding-DNA position 132, one base deleted.
Protein change: p.Pro46Glnfs; shifts the reading frame from proline 46.
Genome position: GRCh38, VCF-style position (the base before the change): chr12:121,626,879. GRCh37 (hg19), VCF-style position (the base before the change): chr12:122,064,785.
Other names: short protein forms P46fs.
Identifiers: ClinVar variation 1017921 (VCV001017921.9), dbSNP rs1892790617, ClinGen allele CA2067977414.

ClinVar aggregate classification (germline): Uncertain significance (1 of 4 stars; one submission).

Conditions:
Combined immunodeficiency due to ORAI1 deficiency. Also called: IMMUNODEFICIENCY 9. Identifiers: Orphanet 169090, Orphanet 317428, MedGen C2748568, MONDO:0013007, OMIM 612782.
Myopathy, tubular aggregate, 2 (TAM2). Identifiers: MedGen C4014557, MONDO:0014383, OMIM 615883.

Submission:

Labcorp Genetics (formerly Invitae), Labcorp
Classification: Uncertain significance for Myopathy, tubular aggregate, 2; Combined immunodeficiency due to ORAI1 deficiency. Last evaluated: 2026-01-06. Review status: criteria provided, single submitter. Criteria: Invitae Variant Classification Sherloc (09022015). Collection method: clinical testing. Allele origin: germline.
Comment: This sequence change creates a premature translational stop signal (p.Pro46Glnfs*43) in the ORAI1 gene. However, it is currently unclear if variants that occur in this region of the gene cause disease. This variant has not been reported in the literature in individuals affected with ORAI1-related conditions. Experimental studies and prediction algorithms are not available or were not evaluated, and the functional significance of this variant is currently unknown. In summary, the available evidence is currently insufficient to determine the role of this variant in disease. Therefore, it has been classified as a Variant of Uncertain Significance.